The following is an entry in ClinVar:

NM_000075.4(CDK4):c.522+8G>A

Gene: CDK4 (cyclin dependent kinase 4; minus strand). Cytogenetic location: 12q14.1.
Variant type: single nucleotide variant.
Coding change: c.522+8G>A on transcript NM_000075.4 (MANE Select); 8 bases into the intron after coding-DNA position 522, G replaced by A.
Molecular consequence: intron variant.
Genome position (GRCh38, 1-based): chr12:57,750,915, C>T on the plus strand (G>A on the coding strand, the complement: CDK4 is on the minus strand). VCF-style: chr12-57750915-C-T. GRCh37 (hg19) VCF-style: chr12-58144698-C-T.
Other names: c.522+8G>A (LRG_490t1).
Identifiers: ClinVar variation 215439 (VCV000215439.18), dbSNP rs758294834, ClinGen allele CA339407.

ClinVar aggregate classification (germline): Benign/Likely benign. Review status: criteria provided, multiple submitters, no conflicts (2 of 4 stars). 7 submissions from 7 submitters: Benign (5); Likely benign (1). 1 of the submissions does not count toward it. Last evaluated 2026-01-31.

Conditions:
Familial melanoma. Also called: Hereditary melanoma; Hereditary cutaneous melanoma. Identifiers: Orphanet 618, MedGen C1512419, MONDO:0018961.
Hereditary cancer-predisposing syndrome. Also called: Hereditary neoplastic syndrome; Neoplastic Syndromes, Hereditary; Tumor predisposition; Hereditary Cancer Syndrome. Identifiers: Orphanet 140162, MedGen C0027672, MeSH D009386, MONDO:0015356.
Melanoma, cutaneous malignant, susceptibility to, 3. Also called: Cutaneous malignant melanoma 3. Identifiers: Orphanet 618, MedGen C1836892, MONDO:0012183, OMIM 609048.

Allele frequency attached by ClinVar (database versions not stated): gnomAD 0.00003; gnomAD exomes 0.00010 and 0.00048; TOPMed 0.00032; ExAC 0.00044.
gnomAD v4.1: 147 of 1,614,114 alleles (0.0091%); highest among the groups gnomAD compares: Admixed American, 0.24%; 1 homozygote.

Submissions (7):

Labcorp Genetics (formerly Invitae), Labcorp
Classification: Benign for Familial melanoma. Last evaluated: 2026-01-31. Review status: criteria provided, single submitter. Criteria: Invitae Variant Classification Sherloc (09022015). Collection method: clinical testing. Allele origin: germline.

Myriad Genetics, Inc.
Classification: Likely benign for Melanoma, cutaneous malignant, susceptibility to, 3. Last evaluated: 2024-09-25. Review status: criteria provided, single submitter. Criteria: Myriad Autosomal Dominant, Autosomal Recessive and X-Linked Classification Criteria (2023). Collection method: clinical testing. Allele origin: unknown.
Comment: This variant is considered likely benign. This variant is intronic and is not expected to impact mRNA splicing.

Quest Diagnostics Nichols Institute San Juan Capistrano
Classification: Benign. Last evaluated: 2022-10-19. Review status: criteria provided, single submitter. Criteria: Quest Diagnostics criteria. Collection method: clinical testing. Allele origin: unknown.

Sema4
Classification: Benign for Hereditary cancer-predisposing syndrome. Last evaluated: 2021-07-16. Review status: criteria provided, single submitter. Criteria: Sema4 Curation Guidelines. Collection method: curation. Allele origin: germline.

PreventionGenetics, part of Exact Sciences
Classification: Benign. Last evaluated: 2017-06-27. Review status: criteria provided, single submitter. Criteria: ACMG Guidelines, 2015. Collection method: clinical testing. Allele origin: germline.

GeneDx
Classification: Benign. Last evaluated: 2015-04-24. Review status: criteria provided, single submitter. Criteria: GeneDx Variant Classification (06012015). Collection method: clinical testing. Allele origin: germline. Affected: yes.
Comment: This variant is considered likely benign or benign based on one or more of the following criteria: it is a conservative change, it occurs at a poorly conserved position in the protein, it is predicted to be benign by multiple in silico algorithms, and/or has population frequency not consistent with disease.

True Health Diagnostics
Classification: Likely benign for Hereditary cancer-predisposing syndrome. Last evaluated: 2018-02-28. Review status: no assertion criteria provided. Collection method: clinical testing. Allele origin: germline. Not counted in ClinVar's aggregate classification.